The following is an entry in ClinVar:

NM_001387263.1(PATL2):c.52G>T (p.Glu18Ter)

Gene: PATL2 (PAT1 homolog 2; minus strand). Cytogenetic location: 15q21.1.
Variant type: single nucleotide variant.
Coding change: c.52G>T on transcript NM_001387263.1 (MANE Select); coding-DNA position 52, G replaced by T.
Protein change: p.Glu18Ter; replaces glutamic acid 18 with a stop codon.
Molecular consequence: nonsense. On other transcripts: intron variant (1).
Genome position (GRCh38, 1-based): chr15:44,675,656, C>A on the plus strand (G>T on the coding strand, the complement: PATL2 is on the minus strand). VCF-style: chr15-44675656-C-A. GRCh37 (hg19) VCF-style: chr15-44967854-C-A.
Other names: c.52G>T, p.Glu18Ter (NM_001145112.2, NM_001387260.1, NM_001387261.1 and 2 more transcripts); c.-467+819G>T (NM_001330283.2); short protein forms E18*.
Identifiers: ClinVar variation 5005411 (VCV005005411.2).

ClinVar aggregate classification (germline): Likely pathogenic (1 of 4 stars; one submission).

Conditions:
Oocyte maturation defect 4. Also called: OOCYTE/ZYGOTE/EMBRYO MATURATION ARREST 4. Identifiers: MedGen C4540284, MONDO:0021575, OMIM 617743.

Submission:

Juno Genomics, Hangzhou Juno Genomics, Inc
Classification: Likely pathogenic for Oocyte maturation defect 4. Review status: criteria provided, single submitter. Criteria: ACMG Guidelines, 2015. Collection method: clinical testing. Allele origin: germline.
Comment: Null variant in a gene where loss of function (LOF) is a known mechanism of disease.;Absent from controls (or at extremely low frequency if recessive) in Genome Aggregation Database.